The following is an entry in ClinVar:

NM_001194998.2(CEP152):c.3712C>G (p.Leu1238Val)

Gene: CEP152 (centrosomal protein 152; minus strand). Cytogenetic location: 15q21.1.
Variant type: single nucleotide variant.
Coding change: c.3712C>G on transcript NM_001194998.2 (MANE Select); coding-DNA position 3712, C replaced by G.
Protein change: p.Leu1238Val; replaces leucine 1238 with valine.
Molecular consequence: missense variant.
Genome position (GRCh38, 1-based): chr15:48,744,915, G>C on the plus strand (C>G on the coding strand, the complement: CEP152 is on the minus strand). VCF-style: chr15-48744915-G-C. GRCh37 (hg19) VCF-style: chr15-49037112-G-C.
Other names: c.3544C>G, p.Leu1182Val (NM_014985.4); c.3544C>G (NM_014985.3); c.3712C>G (NM_001194998.1); short protein forms L1182V, L1238V.
Identifiers: ClinVar variation 1648370 (VCV001648370.11), dbSNP rs116014437, ClinGen allele CA7548307.

ClinVar aggregate classification (germline): Benign/Likely benign. Review status: criteria provided, multiple submitters, no conflicts (2 of 4 stars). 3 submissions from 3 submitters: Benign (1); Likely benign (1). 1 of the submissions does not count toward it. Last evaluated 2026-01-31.

Conditions:
CEP152-related disorder. Also called: CEP152-related disorders; CEP152-related condition. Identifiers: MedGen CN239248.
Inborn genetic diseases. Identifiers: MedGen C0950123, MeSH D030342.

Allele frequency attached by ClinVar (database versions not stated): gnomAD exomes 0.00010 and 0.00026; ExAC 0.00033; 1000 Genomes Project 0.00080; 1000 Genomes Project 30x 0.00094; TOPMed 0.00110; gnomAD 0.00111 and 0.00118; ESP Exome Variant Server 0.00120.
gnomAD v4.1: 315 of 1,610,290 alleles (0.02%); highest among the groups gnomAD compares: African/African-American, 0.37%; 1 homozygote.

Submissions (3):

Labcorp Genetics (formerly Invitae), Labcorp
Classification: Benign. Last evaluated: 2026-01-31. Review status: criteria provided, single submitter. Criteria: Invitae Variant Classification Sherloc (09022015). Collection method: clinical testing. Allele origin: germline.

Ambry Genetics
Classification: Likely benign for Inborn genetic diseases. Last evaluated: 2021-08-30. Review status: criteria provided, single submitter. Criteria: Ambry Variant Classification Scheme 2023. Collection method: clinical testing. Allele origin: germline.

PreventionGenetics, part of Exact Sciences
Classification: Likely benign for CEP152-related condition. Last evaluated: 2022-06-12. Review status: no assertion criteria provided. Collection method: clinical testing. Allele origin: germline. Not counted in ClinVar's aggregate classification.
Comment: This variant is classified as likely benign based on ACMG/AMP sequence variant interpretation guidelines (Richards et al. 2015 PMID: 25741868, with internal and published modifications).